The following is an entry in ClinVar:

ClinVar aggregate classification (germline): Uncertain significance (1 of 4 stars; one submission).

Conditions:
Marfan syndrome (MFS). Also called: MARFAN SYNDROME, TYPE I; Marfan syndrome type 1; Marfan's syndrome; FBN1-Related Marfan Syndrome; Marfan syndrome, classic. Identifiers: Orphanet 284963, Orphanet 558, MedGen C0024796, MONDO:0007947, OMIM 154700.

Submission:

All of Us Research Program, National Institutes of Health
Classification: Uncertain significance for Marfan syndrome. Last evaluated: 2024-05-14. Review status: criteria provided, single submitter. Criteria: ACMG Guidelines, 2015. Collection method: clinical testing. Allele origin: germline. Inheritance: Autosomal dominant inheritance. Observed: 1 variant allele, 1 heterozygote.
Comment: This missense variant replaces leucine with serine at codon 2056 of the FBN1 protein. Computational prediction suggests that this variant may not impact protein structure and function (internally defined REVEL score threshold <= 0.5, PMID: 27666373). To our knowledge, functional studies have not been reported for this variant. This variant has not been reported in individuals affected with FBN1-related disorders in the literature. This variant has not been identified in the general population by the Genome Aggregation Database (gnomAD). The available evidence is insufficient to determine the role of this variant in disease conclusively. Therefore, this variant is classified as a Variant of Uncertain Significance.

This study involves interpretation of variants in research participants for the purpose of population health screening. Participant phenotype was not available at the time of variant classification. Additional details can be found in publication PMID: 35346344, PMCID: PMC8962531

NM_000138.5(FBN1):c.6167T>C (p.Leu2056Ser)

Gene: FBN1 (fibrillin 1; minus strand). Cytogenetic location: 15q21.1.
Variant type: single nucleotide variant.
Coding change: c.6167T>C on transcript NM_000138.5 (MANE Select); coding-DNA position 6167, T replaced by C.
Protein change: p.Leu2056Ser; replaces leucine 2056 with serine.
Molecular consequence: missense variant.
Genome position (GRCh38, 1-based): chr15:48,437,914, A>G on the plus strand (T>C on the coding strand, the complement: FBN1 is on the minus strand). VCF-style: chr15-48437914-A-G. GRCh37 (hg19) VCF-style: chr15-48730111-A-G.
Other names: c.6167T>C, p.Leu2056Ser (NM_001406716.1); short protein forms L2056S.
Identifiers: ClinVar variation 3386776 (VCV003386776.1).
Genomic context (GRCh38, chr15:48,437,914, plus strand): 5'-CTGGATTTGGGTGATGAACACTTTCCTCCTTCAAACTTCGCATAACAGTAGCTCATTCGC[A>G]AATCTGCAGCATAAATTTATGACACCCTTCAGTTGCTTTCCTACTGAGTCCGTATTGCAC-3'
Protein context (NP_000129.3, residues 2046-2066): LSSSGRRCQD[Leu2056Ser]RMSYCYAKFE